The following is an entry in ClinVar:

ClinVar aggregate classification (germline): Uncertain significance (1 of 4 stars; one submission).

Conditions:
Kleefstra syndrome 1 (KLEFS1). Identifiers: Orphanet 261494, MedGen C0795833, MONDO:0027407, OMIM 610253.

Submission:

Labcorp Genetics (formerly Invitae), Labcorp
Classification: Uncertain significance for Kleefstra syndrome 1. Last evaluated: 2023-09-29. Review status: criteria provided, single submitter. Criteria: Invitae Variant Classification Sherloc (09022015). Collection method: clinical testing. Allele origin: germline.
Comment: This sequence change replaces alanine, which is neutral and non-polar, with threonine, which is neutral and polar, at codon 1126 of the EHMT1 protein (p.Ala1126Thr). This variant is not present in population databases (gnomAD no frequency). This variant has not been reported in the literature in individuals affected with EHMT1-related conditions. ClinVar contains an entry for this variant (Variation ID: 1997707). Algorithms developed to predict the effect of missense changes on protein structure and function output the following: SIFT: "Not Available"; PolyPhen-2: "Benign"; Align-GVGD: "Not Available". The threonine amino acid residue is found in multiple mammalian species, which suggests that this missense change does not adversely affect protein function. In summary, the available evidence is currently insufficient to determine the role of this variant in disease. Therefore, it has been classified as a Variant of Uncertain Significance.

NM_024757.5(EHMT1):c.3376G>A (p.Ala1126Thr)

Gene: EHMT1 (euchromatic histone lysine methyltransferase 1; plus strand). Cytogenetic location: 9q34.3.
Variant type: single nucleotide variant.
Coding change: c.3376G>A on transcript NM_024757.5 (MANE Select); coding-DNA position 3376, G replaced by A.
Protein change: p.Ala1126Thr; replaces alanine 1126 with threonine.
Molecular consequence: missense variant.
Genome position (GRCh38, 1-based): chr9:137,817,440, G>A. VCF-style: chr9-137817440-G-A. GRCh37 (hg19) VCF-style: chr9-140711892-G-A.
Other names: c.3355G>A, p.Ala1119Thr (NM_001354263.2); short protein forms A1126T, A1119T.
Identifiers: ClinVar variation 1997707 (VCV001997707.4), dbSNP rs756364507, ClinGen allele CA375772932.